The following is an entry in ClinVar:

NM_001387263.1(PATL2):c.1205G>A (p.Arg402Gln)

Gene: PATL2 (PAT1 homolog 2; minus strand). Cytogenetic location: 15q21.1.
Variant type: single nucleotide variant.
Coding change: c.1205G>A on transcript NM_001387263.1 (MANE Select); coding-DNA position 1205, G replaced by A.
Protein change: p.Arg402Gln; replaces arginine 402 with glutamine.
Molecular consequence: missense variant.
Genome position (GRCh38, 1-based): chr15:44,668,999, C>T on the plus strand (G>A on the coding strand, the complement: PATL2 is on the minus strand). VCF-style: chr15-44668999-C-T. GRCh37 (hg19) VCF-style: chr15-44961197-C-T.
Other names: c.1205G>A (NM_001145112.1); c.1205G>A, p.Arg402Gln (NM_001145112.2, NM_001387261.1, NM_001387262.1); c.638G>A, p.Arg213Gln (NM_001330283.2); c.1112G>A, p.Arg371Gln (NM_001387260.1, NM_001387264.1); short protein forms R213Q, R371Q, R402Q.
Identifiers: ClinVar variation 3026090 (VCV003026090.23), dbSNP rs199627539, ClinGen allele CA7536068.

ClinVar aggregate classification (germline): Uncertain significance. Review status: criteria provided, multiple submitters, no conflicts (2 of 4 stars). 2 submissions from 2 submitters: Uncertain significance (2). Last evaluated 2025-01-27.

Conditions:
Inborn genetic diseases. Identifiers: MedGen C0950123, MeSH D030342.

Allele frequency attached by ClinVar (database versions not stated): gnomAD 0.00003; gnomAD exomes 0.00005; TOPMed 0.00006; ExAC 0.00013; 1000 Genomes Project 30x 0.00016; 1000 Genomes Project 0.00020.
gnomAD v4.1: 75 of 1,548,254 alleles (0.0048%); highest among the groups gnomAD compares: Admixed American, 0.028%; 1 homozygote.

Submissions (2):

Ambry Genetics
Classification: Uncertain significance for Inborn genetic diseases. Last evaluated: 2025-01-27. Review status: criteria provided, single submitter. Criteria: Ambry Variant Classification Scheme 2023. Collection method: clinical testing. Allele origin: germline.

CeGaT Center for Human Genetics Tuebingen
Classification: Uncertain significance. Last evaluated: 2023-12-01. Review status: criteria provided, single submitter. Criteria: CeGaT Center For Human Genetics Tuebingen Variant Classification Criteria Version 2. Collection method: clinical testing. Allele origin: germline. Affected: yes. Observed: 1 variant allele.
Comment: PATL2: PM2, BP4